The following is an entry in ClinVar:

NM_007078.3(LDB3):c.1264G>A (p.Ala422Thr)

Gene: LDB3 (LIM domain binding 3; plus strand). Cytogenetic location: 10q23.2.
Variant type: single nucleotide variant.
Coding change: c.1264G>A on transcript NM_007078.3 (MANE Select); coding-DNA position 1264, G replaced by A.
Protein change: p.Ala422Thr; replaces alanine 422 with threonine.
Molecular consequence: missense variant.
Genome position (GRCh38, 1-based): chr10:86,716,359, G>A. VCF-style: chr10-86716359-G-A. GRCh37 (hg19) VCF-style: chr10-88476116-G-A.
Other names: c.934G>A, p.Ala312Thr (NM_001080114.2); c.1279G>A, p.Ala427Thr (NM_001171610.2); c.1075G>A, p.Ala359Thr (NM_001368064.1, NM_001368065.1); c.1123G>A, p.Ala375Thr (NM_001368066.1); short protein forms A312T, A359T, A427T, A375T, A422T.
Identifiers: ClinVar variation 1763859 (VCV001763859.4), dbSNP rs192983732, ClinGen allele CA5585108.
Genomic context (GRCh38, chr10:86,716,359, plus strand): 5'-TTCTTTGGGTTTTTTTTGGCTTTTGCAGTGCCTGCATCTACCTACAGCCCGTCCCCAGGG[G>A]CCAATTACAGTCCCACTCCCTACACCCCCTCCCCTGCCCCTGCCTACACCCCCTCCCCTG-3'
Protein context (NP_009009.1, residues 412-432): PASTYSPSPG[Ala422Thr]NYSPTPYTPS

ClinVar aggregate classification (germline): Conflicting classifications of pathogenicity. Review status: criteria provided, conflicting classifications (1 of 4 stars). 2 submissions from 2 submitters: Uncertain significance (1); Likely benign (1). Last evaluated 2025-05-25.

Conditions:
Cardiovascular phenotype. Identifiers: MedGen CN230736.
Myofibrillar myopathy 4. Also called: Zaspopathy (type). Identifiers: Orphanet 98912, MedGen C4721886, MONDO:0012277, OMIM 609452.

Allele frequency attached by ClinVar (database versions not stated): TOPMed 0.00001; gnomAD exomes 0.00004; ExAC 0.00011; 1000 Genomes Project 30x 0.00016; 1000 Genomes Project 0.00020.
gnomAD v4.1: 68 of 1,610,586 alleles (0.0042%); highest among the groups gnomAD compares: East Asian, 0.15%; no homozygotes.

Submissions (2):

Labcorp Genetics (formerly Invitae), Labcorp
Classification: Uncertain significance for Myofibrillar myopathy 4. Last evaluated: 2025-05-25. Review status: criteria provided, single submitter. Criteria: Invitae Variant Classification Sherloc (09022015). Collection method: clinical testing. Allele origin: germline.
Comment: The LDB3 gene has multiple clinically relevant transcripts. This variant occurs in alternate transcript NM_007078.3, and corresponds to NM_001080116.1:c.*16985G>A in the primary transcript. This sequence change replaces alanine, which is neutral and non-polar, with threonine, which is neutral and polar, at codon 422 of the LDB3 protein (p.Ala422Thr). This variant is present in population databases (rs192983732, gnomAD 0.1%). This variant has not been reported in the literature in individuals affected with LDB3-related conditions. Experimental studies and prediction algorithms are not available or were not evaluated, and the functional significance of this variant is currently unknown. In summary, the available evidence is currently insufficient to determine the role of this variant in disease. Therefore, it has been classified as a Variant of Uncertain Significance.

Ambry Genetics
Classification: Likely benign for Cardiovascular phenotype. Last evaluated: 2021-08-26. Review status: criteria provided, single submitter. Criteria: Ambry Variant Classification Scheme 2023. Collection method: clinical testing. Allele origin: germline.